The following is an entry in ClinVar:

ClinVar aggregate classification (germline): Uncertain significance (1 of 4 stars; one submission).

Submission:

Women's Health and Genetics/Laboratory Corporation of America, LabCorp
Classification: Uncertain significance. Last evaluated: 2025-11-24. Review status: criteria provided, single submitter. Criteria: LabCorp Variant Classification Summary - May 2015. Collection method: clinical testing. Allele origin: germline.
Comment: Variant summary: WFS1 c.2095A>G (p.Thr699Ala) results in a non-conservative amino acid change located in the Wolframin, cysteine-rich domain (IPR045400) of the encoded protein sequence. Algorithms developed to predict the effect of missense changes on protein structure and function all suggest that this variant is likely to be disruptive. The variant was absent in 250086 control chromosomes (gnomAD). The available data on variant occurrences in the general population are insufficient to allow any conclusion about variant significance. To our knowledge, no occurrence of c.2095A>G in individuals affected with WFS1-related conditions and no experimental evidence demonstrating its impact on protein function have been reported. A different missense affecting the same amino acid (p.Thr699Met) has been reported in affected individual(s) and classified as pathogenic by our lab, suggesting that this residue is important for protein function. No submitters have cited clinical-significance assessments for this variant to ClinVar. Based on the evidence outlined above, the variant was classified as uncertain significance.

NM_006005.3(WFS1):c.2095A>G (p.Thr699Ala)

Gene: WFS1 (wolframin ER transmembrane glycoprotein; plus strand). Cytogenetic location: 4p16.1.
Variant type: single nucleotide variant.
Coding change: c.2095A>G on transcript NM_006005.3 (MANE Select); coding-DNA position 2095, A replaced by G.
Protein change: p.Thr699Ala; replaces threonine 699 with alanine.
Molecular consequence: missense variant.
Genome position (GRCh38, 1-based): chr4:6,301,890, A>G. VCF-style: chr4-6301890-A-G. GRCh37 (hg19) VCF-style: chr4-6303617-A-G.
Other names: c.2095A>G, p.Thr699Ala (NM_001145853.1); short protein forms T699A.
Identifiers: ClinVar variation 4537228 (VCV004537228.1).